The following is an entry in ClinVar:

ClinVar aggregate classification (germline): Likely pathogenic (1 of 4 stars; one submission).

Submission:

CeGaT Center for Human Genetics Tuebingen
Classification: Likely pathogenic. Last evaluated: 2026-01-01. Review status: criteria provided, single submitter. Criteria: CeGaT Center For Human Genetics Tuebingen Variant Classification Criteria Version 2. Collection method: clinical testing. Allele origin: germline. Affected: yes. Observed: 1 variant allele.
Comment: NOTCH3: PM1:Strong, PM2, PP3

NM_000435.3(NOTCH3):c.1962T>G (p.Cys654Trp)

Gene: NOTCH3 (notch receptor 3; minus strand). Cytogenetic location: 19p13.12.
Variant type: single nucleotide variant.
Coding change: c.1962T>G on transcript NM_000435.3 (MANE Select); coding-DNA position 1962, T replaced by G.
Protein change: p.Cys654Trp; replaces cysteine 654 with tryptophan.
Molecular consequence: missense variant.
Genome position (GRCh38, 1-based): chr19:15,185,669, A>C on the plus strand (T>G on the coding strand, the complement: NOTCH3 is on the minus strand). VCF-style: chr19-15185669-A-C. GRCh37 (hg19) VCF-style: chr19-15296480-A-C.
Other names: short protein forms C654W.
Identifiers: ClinVar variation 4822675 (VCV004822675.4).